The following is an entry in ClinVar:

NM_000202.8(IDS):c.590C>G (p.Pro197Arg)

Genes: IDS (iduronate 2-sulfatase; minus strand), LOC106050102 (IDS recombination region; plus strand). Cytogenetic location: Xq28.
Variant type: single nucleotide variant.
Coding change: c.590C>G on transcript NM_000202.8 (MANE Select); coding-DNA position 590, C replaced by G.
Protein change: p.Pro197Arg; replaces proline 197 with arginine.
Molecular consequence: missense variant. On other transcripts: non-coding transcript variant (1).
Genome position (GRCh38, 1-based): chrX:149,498,225, G>C on the plus strand (C>G on the coding strand, the complement: IDS is on the minus strand). VCF-style: chrX-149498225-G-C. GRCh37 (hg19) VCF-style: chrX-148579756-G-C.
Other names: c.320C>G, p.Pro107Arg (NM_001166550.4); c.590C>G, p.Pro197Arg (NM_006123.5); short protein forms P107R, P197R.
Identifiers: ClinVar variation 3255771 (VCV003255771.2).
Genomic context (GRCh38, chrX:149,498,225, plus strand): 5'-CTGGCTGACGTTTTCATCTTTTCCAACAACTGTATGGCTTGCTCAGTGCTCTGTTTGTCA[G>C]GCAAGGTGCCCTCGGGAACATCCAGCACATCCACAGGGCAAAGCAGGTTGGCATGGAGTT-3'
Protein context (NP_000193.1, residues 187-207): DVLDVPEGTL[Pro197Arg]DKQSTEQAIQ

ClinVar aggregate classification (germline): Likely pathogenic (1 of 4 stars; one submission).

Conditions:
Mucopolysaccharidosis, MPS-II (MPS2). Also called: Hunter Syndrome; IDURONATE 2-SULFATASE DEFICIENCY; Mucopolysaccharidosis Type II; Mucopolysaccharidosis type 2; Attenuated MPS (subtype; formerly known as mild MPS II); Severe MPS II. Identifiers: Orphanet 580, Orphanet 79388, MedGen C0026705, MONDO:0010674, OMIM 309900.

Submission:

Laboratory of Diagnosis and Therapy of Lysosomal Disorders, University of Padova
Classification: Likely pathogenic for Mucopolysaccharidosis, MPS-II. Last evaluated: 2024-06-07. Review status: criteria provided, single submitter. Criteria: ACMG Guidelines, 2015. Collection method: literature only. Allele origin: germline. Affected: yes. Observed: 3 variant alleles.
Comment: Absent from controls (or at low frequency) in gnomAD database (PM2_Moderate), Missense variant in a gene with a low rate of benign missense variation (PP2_Supporting), Multiple lines of computational evidence support a deleterious effect (PP3_Supporting), Patient’s phenotype or family history highly specific for the disease (PP4_Strong)

Classification method: ACMG Guidelines [PMID:25741868] with modifications

Literature cited by the submitters: PubMed 16495038; PubMed 21291454.